The following is an entry in ClinVar:

ClinVar aggregate classification (germline): Uncertain significance (1 of 4 stars; one submission).

Conditions:
NACC1-related disorder. Also called: NACC1-related condition.

Allele frequency attached by ClinVar (database versions not stated): gnomAD 0.00001; TOPMed 0.00002.
gnomAD v4.1: 2 of 1,559,754 alleles (0.00013%); highest among the groups gnomAD compares: African/African-American, 0.0027%; no homozygotes.

Submission:

PreventionGenetics, part of Exact Sciences
Classification: Uncertain significance for NACC1-related condition. Last evaluated: 2023-01-13. Review status: criteria provided, single submitter. Criteria: ACMG Guidelines, 2015. Collection method: clinical testing. Allele origin: germline.
Comment: The NACC1 c.569A>C variant is predicted to result in the amino acid substitution p.Gln190Pro. To our knowledge, this variant has not been reported in the literature or in a large population database, indicating this variant is rare. At this time, the clinical significance of this variant is uncertain due to the absence of conclusive functional and genetic evidence.

NM_052876.4(NACC1):c.569A>C (p.Gln190Pro)

Gene: NACC1 (nucleus accumbens associated 1; plus strand). Cytogenetic location: 19p13.13.
Variant type: single nucleotide variant.
Coding change: c.569A>C on transcript NM_052876.4 (MANE Select); coding-DNA position 569, A replaced by C.
Protein change: p.Gln190Pro; replaces glutamine 190 with proline.
Molecular consequence: missense variant.
Genome position (GRCh38, 1-based): chr19:13,135,776, A>C. VCF-style: chr19-13135776-A-C. GRCh37 (hg19) VCF-style: chr19-13246590-A-C.
Other names: short protein forms Q190P.
Identifiers: ClinVar variation 2629734 (VCV002629734.1), dbSNP rs920963595, ClinGen allele CA305553045.